The following is an entry in ClinVar:

ClinVar aggregate classification (germline): Uncertain significance (1 of 4 stars; one submission).

Conditions:
Generalized epilepsy-paroxysmal dyskinesia syndrome (PNKD3). Also called: Generalized epilepsy and paroxysmal dyskinesia; Paroxysmal nonkinesigenic dyskinesia, 3, with or without generalized epilepsy. Identifiers: Orphanet 79137, MedGen C5574945, MONDO:0012276, OMIM 609446.

Submission:

Labcorp Genetics (formerly Invitae), Labcorp
Classification: Uncertain significance for Generalized epilepsy-paroxysmal dyskinesia syndrome. Last evaluated: 2022-11-15. Review status: criteria provided, single submitter. Criteria: Invitae Variant Classification Sherloc (09022015). Collection method: clinical testing. Allele origin: germline.
Comment: In summary, the available evidence is currently insufficient to determine the role of this variant in disease. Therefore, it has been classified as a Variant of Uncertain Significance. Advanced modeling of protein sequence and biophysical properties (such as structural, functional, and spatial information, amino acid conservation, physicochemical variation, residue mobility, and thermodynamic stability) performed at Invitae indicates that this missense variant is expected to disrupt KCNMA1 protein function. ClinVar contains an entry for this variant (Variation ID: 1036958). This variant has not been reported in the literature in individuals affected with KCNMA1-related conditions. This variant is not present in population databases (gnomAD no frequency). This sequence change replaces proline, which is neutral and non-polar, with leucine, which is neutral and non-polar, at codon 498 of the KCNMA1 protein (p.Pro498Leu).

NM_001161352.2(KCNMA1):c.1493C>T (p.Pro498Leu)

Gene: KCNMA1 (potassium calcium-activated channel subfamily M alpha 1; minus strand). Cytogenetic location: 10q22.3.
Variant type: single nucleotide variant.
Coding change: c.1493C>T on transcript NM_001161352.2 (MANE Select); coding-DNA position 1493, C replaced by T.
Protein change: p.Pro498Leu; replaces proline 498 with leucine.
Molecular consequence: missense variant.
Genome position (GRCh38, 1-based): chr10:77,084,667, G>A on the plus strand (C>T on the coding strand, the complement: KCNMA1 is on the minus strand). VCF-style: chr10-77084667-G-A. GRCh37 (hg19) VCF-style: chr10-78844425-G-A.
Other names: c.1493C>T, p.Pro498Leu (NM_001014797.3, NM_001161353.2, NM_001271519.2 and 7 more transcripts); c.1331C>T, p.Pro444Leu (NM_001271518.2); c.953C>T, p.Pro318Leu (NM_001322838.2); short protein forms P318L, P498L, P444L.
Identifiers: ClinVar variation 1036958 (VCV001036958.9), dbSNP rs2096653786, ClinGen allele CA377406664.
Genomic context (GRCh38, chr10:77,084,667, plus strand): 5'-CAGGGCCTTCCGCAGCGCCCCAAGAGTTACCTCATGATATTCGAGGCATCCTCCGCATCC[G>A]GGTCAGCGCAGTACTTGTTGGCAAGGATCAGGCATGCATCTGCTGACTCTATCTAAGACA-3'
Protein context (NP_001154824.1, residues 488-508): LILANKYCAD[Pro498Leu]DAEDASNIMR